The following is an entry in ClinVar:

NM_024795.4(TM4SF20):c.607G>T (p.Val203Phe)

Gene: TM4SF20 (transmembrane 4 L six family member 20; minus strand). Cytogenetic location: 2q36.3.
Variant type: single nucleotide variant.
Coding change: c.607G>T on transcript NM_024795.4 (MANE Select); coding-DNA position 607, G replaced by T.
Protein change: p.Val203Phe; replaces valine 203 with phenylalanine.
Molecular consequence: missense variant.
Genome position (GRCh38, 1-based): chr2:227,363,807, C>A on the plus strand (G>T on the coding strand, the complement: TM4SF20 is on the minus strand). VCF-style: chr2-227363807-C-A. GRCh37 (hg19) VCF-style: chr2-228228523-C-A.
Other names: short protein forms V203F.
Identifiers: ClinVar variation 1958344 (VCV001958344.5), dbSNP rs1042631474, ClinGen allele CA66611522.

ClinVar aggregate classification (germline): Uncertain significance (1 of 4 stars; one submission).

Allele frequency attached by ClinVar (database versions not stated): TOPMed 0.00001.

Submission:

Labcorp Genetics (formerly Invitae), Labcorp
Classification: Uncertain significance. Last evaluated: 2025-12-25. Review status: criteria provided, single submitter. Criteria: Invitae Variant Classification Sherloc (09022015). Collection method: clinical testing. Allele origin: germline.
Comment: This sequence change replaces valine, which is neutral and non-polar, with phenylalanine, which is neutral and non-polar, at codon 203 of the TM4SF20 protein (p.Val203Phe). This variant is present in population databases (no rsID available, gnomAD 0.003%). This variant has not been reported in the literature in individuals affected with TM4SF20-related conditions. ClinVar contains an entry for this variant (Variation ID: 1958344). An algorithm developed to predict the effect of missense changes on protein structure and function (PolyPhen-2) suggests that this variant is likely to be tolerated. In summary, the available evidence is currently insufficient to determine the role of this variant in disease. Therefore, it has been classified as a Variant of Uncertain Significance.